The following is an entry in ClinVar:

ClinVar aggregate classification (germline): Uncertain significance (1 of 4 stars; one submission).

Conditions:
POLD1-related polyposis and colorectal cancer syndrome (CRCS10). Also called: Colorectal cancer, susceptibility to, 10; Colorectal cancer 10; COLORECTAL CANCER, SUSCEPTIBILITY TO, ON CHROMOSOME 19q. Identifiers: Orphanet 220460, MedGen C2675481, MONDO:0012953, OMIM 612591.

Allele frequency attached by ClinVar (database versions not stated): ExAC 0.00001; gnomAD exomes below 0.00001 and 0.00001.
gnomAD v4.1: 1 of 1,614,058 alleles (0.000062%); highest among the groups gnomAD compares: East Asian, 0.0022%; no homozygotes.

Submission:

Labcorp Genetics (formerly Invitae), Labcorp
Classification: Uncertain significance for POLD1-related polyposis and colorectal cancer syndrome. Last evaluated: 2025-04-17. Review status: criteria provided, single submitter. Criteria: Invitae Variant Classification Sherloc (09022015). Collection method: clinical testing. Allele origin: germline.
Comment: This sequence change falls in intron 4 of the POLD1 gene. It does not directly change the encoded amino acid sequence of the POLD1 protein. It affects a nucleotide within the consensus splice site. This variant is present in population databases (rs751331448, gnomAD 0.006%). This variant has not been reported in the literature in individuals affected with POLD1-related conditions. ClinVar contains an entry for this variant (Variation ID: 1387693). Variants that disrupt the consensus splice site are a relatively common cause of aberrant splicing (PMID: 17576681, 9536098). Algorithms developed to predict the effect of sequence changes on RNA splicing suggest that this variant is not likely to affect RNA splicing. In summary, the available evidence is currently insufficient to determine the role of this variant in disease. Therefore, it has been classified as a Variant of Uncertain Significance.

Literature cited by the submitters: PubMed 17576681; PubMed 9536098.

NM_002691.4(POLD1):c.463+3G>A

Gene: POLD1 (DNA polymerase delta 1, catalytic subunit; plus strand). Cytogenetic location: 19q13.33.
Variant type: single nucleotide variant.
Coding change: c.463+3G>A on transcript NM_002691.4 (MANE Select); 3 bases into the intron after coding-DNA position 463, G replaced by A.
Molecular consequence: intron variant.
Genome position (GRCh38, 1-based): chr19:50,401,927, G>A. VCF-style: chr19-50401927-G-A. GRCh37 (hg19) VCF-style: chr19-50905184-G-A.
Other names: c.463+3G>A (NM_001256849.1, NM_001308632.1).
Identifiers: ClinVar variation 1387693 (VCV001387693.6), dbSNP rs751331448, ClinGen allele CA9595735.
Genomic context (GRCh38, chr19:50,401,927, plus strand): 5'-TCTGTCTGCTGCCACATCCACGGCTTCGCTCCCTACTTCTACACCCCAGCGCCCCCTGGT[G>A]AGTGGCCCCTACCCAGCCCCTCCCTGAGCCACTGGAGCCCCCTGCACCTCTGATCATCCC-3'